The following is an entry in ClinVar:

NM_002691.4(POLD1):c.2451_2468dup (p.Arg823_Met824insProAspAlaHisAspArg)

Gene: POLD1 (DNA polymerase delta 1, catalytic subunit; plus strand). Cytogenetic location: 19q13.33.
Variant type: Duplication.
Coding change: c.2451_2468dup on transcript NM_002691.4 (MANE Select); coding-DNA positions 2451 to 2468, 18 bases duplicated (GCCCGACGCCCACGACCG).
Protein change: p.Arg823_Met824insProAspAlaHisAspArg.
Molecular consequence: non-coding transcript variant (on NR_046402.2).
Genome position (GRCh38, 1-based): chr19:50,414,877-50,414,894, GCCCGACGCCCACGACCG duplicated; duplicating any 18 consecutive bases within chr19:50,414,874-50,414,894 gives the same sequence; the c. name uses the placement nearest the transcript's 3' end. VCF-style (leftmost placement, unchanged base first): chr19-50414873-C-CCCGGCCCGACGCCCACGA. GRCh37 (hg19) VCF-style: chr19-50918130-C-CCCGGCCCGACGCCCACGA.
Other names: c.2451_2468dup, p.Arg823_Met824insProAspAlaHisAspArg (NM_001256849.1); c.2529_2546dup, p.Arg849_Met850insProAspAlaHisAspArg (NM_001308632.1).
Identifiers: ClinVar variation 3692398 (VCV003692398.2).

ClinVar aggregate classification (germline): Uncertain significance (1 of 4 stars; one submission).

Conditions:
POLD1-related polyposis and colorectal cancer syndrome (CRCS10). Also called: Colorectal cancer 10; COLORECTAL CANCER, SUSCEPTIBILITY TO, ON CHROMOSOME 19q; Colorectal cancer, susceptibility to, 10. Identifiers: Orphanet 220460, MedGen C2675481, MONDO:0012953, OMIM 612591.

Submission:

Labcorp Genetics (formerly Invitae), Labcorp
Classification: Uncertain significance for POLD1-related polyposis and colorectal cancer syndrome. Last evaluated: 2024-07-13. Review status: criteria provided, single submitter. Criteria: Invitae Variant Classification Sherloc (09022015). Collection method: clinical testing. Allele origin: germline.
Comment: This variant, c.2451_2468dup, results in the insertion of 6 amino acid(s) of the POLD1 protein (p.Pro818_Arg823dup), but otherwise preserves the integrity of the reading frame. This variant is not present in population databases (gnomAD no frequency). This variant has not been reported in the literature in individuals affected with POLD1-related conditions. In summary, the available evidence is currently insufficient to determine the role of this variant in disease. Therefore, it has been classified as a Variant of Uncertain Significance.